The following is an entry in ClinVar:

ClinVar aggregate classification (germline): Pathogenic/Likely pathogenic. Review status: criteria provided, multiple submitters, no conflicts (2 of 4 stars). 2 submissions from 2 submitters: Pathogenic (1); Likely pathogenic (1). Last evaluated 2025-05-23.

Conditions:
CFAP298-related disorder. Also called: CFAP298-related condition.

Submissions (2):

Labcorp Genetics (formerly Invitae), Labcorp
Classification: Pathogenic. Last evaluated: 2025-05-23. Review status: criteria provided, single submitter. Criteria: Invitae Variant Classification Sherloc (09022015). Collection method: clinical testing. Allele origin: germline.
Comment: This sequence change creates a premature translational stop signal (p.Leu146Argfs*2) in the CFAP298 gene. It is expected to result in an absent or disrupted protein product. Loss-of-function variants in CFAP298 are known to be pathogenic (PMID: 24094744). This variant is not present in population databases (gnomAD no frequency). This variant has not been reported in the literature in individuals affected with CFAP298-related conditions. For these reasons, this variant has been classified as Pathogenic.

Blueprint Genetics
Classification: Likely pathogenic for CFAP298-related disorders. Last evaluated: 2023-07-11. Review status: criteria provided, single submitter. Criteria: ACMG Guidelines, 2015. Collection method: clinical testing. Allele origin: germline. Affected: yes. Observed: 1 variant allele.

Literature cited by the submitters: PubMed 24094744 (cited by Labcorp Genetics (formerly Invitae), Labcorp).

NM_021254.4(CFAP298):c.437_446del (p.Leu146fs)

Genes: CFAP298 (cilia and flagella associated protein 298; minus strand), CFAP298-TCP10L (CFAP298-TCP10L readthrough; minus strand). Cytogenetic location: 21q22.11.
Variant type: Deletion.
Coding change: c.437_446del on transcript NM_021254.4 (MANE Select); coding-DNA positions 437 to 446, 10 bases deleted (TTCGAGGCGC; older notation c.437_446delTTCGAGGCGC).
Protein change: p.Leu146fs; shifts the reading frame from leucine 146.
Molecular consequence: frameshift variant. On other transcripts: non-coding transcript variant (2).
Genome position (GRCh38, 1-based): chr21:32,604,213-32,604,222, GCGCCTCGAA deleted on the plus strand (TTCGAGGCGC on the coding strand, the reverse complement: CFAP298 is on the minus strand); deleting any 10 consecutive bases within chr21:32,604,213-32,604,224 gives the same sequence; the c. name uses the placement nearest the transcript's 3' end. VCF-style (leftmost placement, unchanged base first): chr21-32604212-CGCGCCTCGAA-C. GRCh37 (hg19) VCF-style: chr21-33976522-CGCGCCTCGAA-C.
Other names: c.437_446del, p.Leu146fs (NM_001350338.2, NM_001350335.2, NM_001350336.2 and 1 more transcripts); c.140_149del, p.Leu47fs (NM_001350334.2); short protein forms L146fs, L47fs.
Identifiers: ClinVar variation 4780636 (VCV004780636.2).